The following is an entry in ClinVar:

ClinVar aggregate classification (germline): Pathogenic/Likely pathogenic. Review status: criteria provided, multiple submitters, no conflicts (2 of 4 stars). 2 submissions from 2 submitters: Pathogenic (1); Likely pathogenic (1). Last evaluated 2025-08-29.

Conditions:
Hypophosphatasia. Also called: Phosphoethanol-aminuria. Identifiers: Orphanet 436, MedGen C0020630, MeSH D007014, MONDO:0018570.

Submissions (2):

Genomenon, Inc
Classification: Likely pathogenic for Hypophosphatasia. Last evaluated: 2025-08-29. Review status: criteria provided, single submitter. Criteria: Genomenon Sequence Variant Interpretation Standards. Collection method: curation. Allele origin: germline. Affected: yes.
Comment: ALPL p.Asp189_Met192delinsArg (c.565_575delinsAG) is an insertion-deletion variant that causes the deletion of multiple amino acids, from Aspartic acid at position 189 to Methionine at position 192, and replaces them with a single Arginine. This variant has been observed in at least one proband affected with hypophosphatasia (PMID:33191482). The variant was found to segregate with disease in at least one affected family (PMID:33191482). It is absent or not present at a significant frequency in gnomAD. In conclusion, we classify ALPL p.Asp189_Met192delinsArg (c.565_575delinsAG) as a likely pathogenic variant.

Labcorp Genetics (formerly Invitae), Labcorp
Classification: Pathogenic. Last evaluated: 2024-03-28. Review status: criteria provided, single submitter. Criteria: Invitae Variant Classification Sherloc (09022015). Collection method: clinical testing. Allele origin: germline.
Comment: This variant, c.565_575delinsAG, is a complex sequence change that results in the deletion of 4 and insertion of 1 amino acid(s) in the ALPL protein (p.Asp189_Met192delinsArg). Information on the frequency of this variant in the gnomAD database is not available, as this variant may be reported differently in the database. This variant has been observed in individual(s) with hypophosphatasia (PMID: 33191482). This variant disrupts a region of the ALPL protein in which other variant(s) (p.Glu191Gly) have been determined to be pathogenic (PMID: 12357339, 15671102, 24569605, 31707452). This suggests that this is a clinically significant region of the protein, and that variants that disrupt it are likely to be disease-causing. For these reasons, this variant has been classified as Pathogenic.

Literature cited by the submitters: PubMed 33191482 (cited by Genomenon, Inc and Labcorp Genetics (formerly Invitae), Labcorp); PubMed 12357339 (cited by Labcorp Genetics (formerly Invitae), Labcorp); PubMed 15671102 (cited by Labcorp Genetics (formerly Invitae), Labcorp); PubMed 24569605 (cited by Labcorp Genetics (formerly Invitae), Labcorp); PubMed 31707452 (cited by Labcorp Genetics (formerly Invitae), Labcorp).

NM_000478.6(ALPL):c.565_575delinsAG (p.Asp189_Met192delinsArg)

Gene: ALPL (alkaline phosphatase, biomineralization associated; plus strand). Cytogenetic location: 1p36.12.
Variant type: Indel.
Coding change: c.565_575delinsAG on transcript NM_000478.6 (MANE Select); coding-DNA positions 565 to 575, GACAACGAGAT replaced by AG.
Protein change: p.Asp189_Met192delinsArg.
Molecular consequence: inframe indel.
Genome position (GRCh38, 1-based): chr1:21,564,133-21,564,143, GACAACGAGAT replaced by AG. VCF-style: chr1-21564133-GACAACGAGAT-AG. GRCh37 (hg19) VCF-style: chr1-21890626-GACAACGAGAT-AG.
Other names: c.565_575delinsAG, p.Asp189_Met192delinsArg (NM_001369805.2, NM_001369803.2, NM_001369804.2); c.400_410delinsAG, p.Asp134_Met137delinsArg (NM_001127501.4); c.334_344delinsAG, p.Asp112_Met115delinsArg (NM_001177520.3).
Identifiers: ClinVar variation 3682965 (VCV003682965.3).
Genomic context (GRCh38, chr1:21,564,133, plus strand): 5'-GTGAACCATGCCACCCCCAGCGCCGCCTACGCCCACTCGGCTGACCGGGACTGGTACTCA[GACAACGAGAT>AG]GCCCCCTGAGGCCTTGAGCCAGGGCTGTAAGGACATCGCCTACCAGCTCATGCATAACAT-3'